The following is an entry in ClinVar:

ClinVar aggregate classification (germline): Uncertain significance (1 of 4 stars; one submission).

Conditions:
Hereditary cancer-predisposing syndrome. Also called: Neoplastic Syndromes, Hereditary; Tumor predisposition; Hereditary Cancer Syndrome; Hereditary neoplastic syndrome. Identifiers: Orphanet 140162, MedGen C0027672, MeSH D009386, MONDO:0015356.

Submission:

Ambry Genetics
Classification: Uncertain significance for Hereditary cancer-predisposing syndrome. Last evaluated: 2025-09-16. Review status: criteria provided, single submitter. Criteria: Ambry Variant Classification Scheme 2023. Collection method: clinical testing. Allele origin: germline.
Comment: The p.I121L variant (also known as c.361A>C), located in coding exon 4 of the FANCC gene, results from an A to C substitution at nucleotide position 361. The isoleucine at codon 121 is replaced by leucine, an amino acid with highly similar properties. This amino acid position is conserved. In addition, this alteration is predicted to be tolerated by in silico analysis. Based on the available evidence, the clinical significance of this variant remains unclear.

NM_000136.3(FANCC):c.361A>C (p.Ile121Leu)

Gene: FANCC (FA complementation group C; minus strand). Cytogenetic location: 9q22.32.
Variant type: single nucleotide variant.
Coding change: c.361A>C on transcript NM_000136.3 (MANE Select); coding-DNA position 361, A replaced by C.
Protein change: p.Ile121Leu; replaces isoleucine 121 with leucine.
Molecular consequence: missense variant.
Genome position (GRCh38, 1-based): chr9:95,172,132, T>G on the plus strand (A>C on the coding strand, the complement: FANCC is on the minus strand). VCF-style: chr9-95172132-T-G. GRCh37 (hg19) VCF-style: chr9-97934414-T-G.
Other names: c.361A>C, p.Ile121Leu (NM_001243743.2, NM_001243744.2); short protein forms I121L.
Identifiers: ClinVar variation 4640987 (VCV004640987.1).
Genomic context (GRCh38, chr9:95,172,132, plus strand): 5'-CATACCCAAGACCTTGAGTGAAAAGAGCAACTTCTTTATCAAATCTGAGTGCTGAAAGTA[T>G]ATGAGATAATACACCCTAAAAAACATAAACAGAAAAAGTTAACTTCTTTAAAAGTAAATG-3'
Protein context (NP_000127.2, residues 111-131): NSWIQGVLSH[Ile121Leu]LSALRFDKEV